The following is an entry in ClinVar:

ClinVar aggregate classification (germline): Uncertain significance. Review status: criteria provided, multiple submitters, no conflicts (2 of 4 stars). 3 submissions from 3 submitters: Uncertain significance (3). Last evaluated 2026-01-31.

Conditions:
WDPCP-related disorder. Also called: WDPCP-related condition.
Bardet-Biedl syndrome 15 (BBS15). Identifiers: Orphanet 110, MedGen C3150127, MONDO:0014443, OMIM 615992.
Heart defect - tongue hamartoma - polysyndactyly syndrome. Also called: Congenital heart defects, hamartomas of tongue, and polysyndactyly. Identifiers: Orphanet 1338, MedGen C1857587, MONDO:0009008, OMIM 217085.
Bardet-Biedl syndrome (BBS). Identifiers: Orphanet 110, MedGen C0752166, MONDO:0015229.

Allele frequency attached by ClinVar (database versions not stated): TOPMed below 0.00001; gnomAD 0.00001; gnomAD exomes 0.00001; ESP Exome Variant Server 0.00008.
gnomAD v4.1: 9 of 1,613,156 alleles (0.00056%); highest among the groups gnomAD compares: African/African-American, 0.0027%; no homozygotes.

Submissions (3):

PreventionGenetics, part of Exact Sciences
Classification: Uncertain significance for WDPCP-related condition. Last evaluated: 2026-01-31. Review status: criteria provided, single submitter. Criteria: ACMG Guidelines, 2015. Collection method: clinical testing. Allele origin: germline.
Comment: The WDPCP c.1466T>C variant is predicted to result in the amino acid substitution p.Ile489Thr. To our knowledge, this variant has not been reported in the literature or in a large population database (gnomAD), indicating this variant is rare. At this time, the clinical significance of this variant is uncertain due to the absence of conclusive functional and genetic evidence.

Fulgent Genetics
Classification: Uncertain significance for Heart defect - tongue hamartoma - polysyndactyly syndrome; Bardet-Biedl syndrome 15. Last evaluated: 2024-05-24. Review status: criteria provided, single submitter. Criteria: ACMG Guidelines, 2015. Collection method: clinical testing. Allele origin: germline.

Labcorp Genetics (formerly Invitae), Labcorp
Classification: Uncertain significance for Bardet-Biedl syndrome. Last evaluated: 2022-03-02. Review status: criteria provided, single submitter. Criteria: Invitae Variant Classification Sherloc (09022015). Collection method: clinical testing. Allele origin: germline.
Comment: Algorithms developed to predict the effect of missense changes on protein structure and function output the following: SIFT: "Tolerated"; PolyPhen-2: "Benign"; Align-GVGD: "Class C0". The threonine amino acid residue is found in multiple mammalian species, which suggests that this missense change does not adversely affect protein function. In summary, the available evidence is currently insufficient to determine the role of this variant in disease. Therefore, it has been classified as a Variant of Uncertain Significance. This variant has not been reported in the literature in individuals affected with WDPCP-related conditions. This variant is not present in population databases (gnomAD no frequency). This sequence change replaces isoleucine, which is neutral and non-polar, with threonine, which is neutral and polar, at codon 489 of the WDPCP protein (p.Ile489Thr).

NM_015910.7(WDPCP):c.1466T>C (p.Ile489Thr)

Gene: WDPCP (WD repeat containing planar cell polarity effector; minus strand). Cytogenetic location: 2p15.
Variant type: single nucleotide variant.
Coding change: c.1466T>C on transcript NM_015910.7 (MANE Select); coding-DNA position 1466, T replaced by C.
Protein change: p.Ile489Thr; replaces isoleucine 489 with threonine.
Molecular consequence: missense variant. On other transcripts: non-coding transcript variant (3).
Genome position (GRCh38, 1-based): chr2:63,382,064, A>G on the plus strand (T>C on the coding strand, the complement: WDPCP is on the minus strand). VCF-style: chr2-63382064-A-G. GRCh37 (hg19) VCF-style: chr2-63609199-A-G.
Other names: c.989T>C, p.Ile330Thr (NM_001042692.3); c.1394T>C, p.Ile465Thr (NM_001354044.2); c.1466T>C, p.Ile489Thr (NM_001354045.2); c.1466T>C (NM_015910.5); short protein forms I330T, I489T, I465T.
Identifiers: ClinVar variation 1473475 (VCV001473475.7), dbSNP rs370842356, ClinGen allele CA49231291.